The following is an entry in ClinVar:

NM_001369268.1(ACAN):c.1456C>T (p.Pro486Ser)

Gene: ACAN (aggrecan; plus strand). Cytogenetic location: 15q26.1.
Variant type: single nucleotide variant.
Coding change: c.1456C>T on transcript NM_001369268.1 (MANE Select); coding-DNA position 1456, C replaced by T.
Protein change: p.Pro486Ser; replaces proline 486 with serine.
Molecular consequence: missense variant.
Genome position (GRCh38, 1-based): chr15:88,847,269, C>T. VCF-style: chr15-88847269-C-T. GRCh37 (hg19) VCF-style: chr15-89390500-C-T.
Other names: c.1456C>T, p.Pro486Ser (NM_001135.4, NM_001411096.1, NM_001411097.1 and 1 more transcripts); short protein forms P486S.
Identifiers: ClinVar variation 4776822 (VCV004776822.1).

ClinVar aggregate classification (germline): Uncertain significance (1 of 4 stars; one submission).

gnomAD v4.1: 3 of 1,562,844 alleles (0.00019%); highest among the groups gnomAD compares: Non-Finnish European, 0.000087%; no homozygotes.

Submission:

Labcorp Genetics (formerly Invitae), Labcorp
Classification: Uncertain significance. Last evaluated: 2025-04-22. Review status: criteria provided, single submitter. Criteria: Invitae Variant Classification Sherloc (09022015). Collection method: clinical testing. Allele origin: germline.
Comment: This sequence change replaces proline, which is neutral and non-polar, with serine, which is neutral and polar, at codon 486 of the ACAN protein (p.Pro486Ser). This variant is not present in population databases (gnomAD no frequency). This variant has not been reported in the literature in individuals affected with ACAN-related conditions. Invitae Evidence Modeling of protein sequence and biophysical properties (such as structural, functional, and spatial information, amino acid conservation, physicochemical variation, residue mobility, and thermodynamic stability) indicates that this missense variant is not expected to disrupt ACAN protein function with a negative predictive value of 80%. In summary, the available evidence is currently insufficient to determine the role of this variant in disease. Therefore, it has been classified as a Variant of Uncertain Significance.